The following is an entry in ClinVar:

ClinVar aggregate classification (germline): Uncertain significance (1 of 4 stars; one submission).

Conditions:
Cardiovascular phenotype. Identifiers: MedGen CN230736.

gnomAD v4.1: 1 of 1,611,910 alleles (0.000062%); highest among the groups gnomAD compares: Non-Finnish European, 0.000085%; no homozygotes.

Submission:

Ambry Genetics
Classification: Uncertain significance for Cardiovascular phenotype. Last evaluated: 2026-02-19. Review status: criteria provided, single submitter. Criteria: Ambry Variant Classification Scheme 2023. Collection method: clinical testing. Allele origin: germline.
Comment: The p.P4200L variant (also known as c.12599C>T), located in coding exon 29 of the APOB gene, results from a C to T substitution at nucleotide position 12599. The proline at codon 4200 is replaced by leucine, an amino acid with similar properties. This amino acid position is conserved. In addition, this alteration is predicted to be tolerated by in silico analysis. Based on the available evidence, the clinical significance of this variant remains unclear.

NM_000384.3(APOB):c.12599C>T (p.Pro4200Leu)

Gene: APOB (apolipoprotein B; minus strand). Cytogenetic location: 2p24.1.
Variant type: single nucleotide variant.
Coding change: c.12599C>T on transcript NM_000384.3 (MANE Select); coding-DNA position 12599, C replaced by T.
Protein change: p.Pro4200Leu; replaces proline 4200 with leucine.
Molecular consequence: missense variant.
Genome position (GRCh38, 1-based): chr2:21,002,823, G>A on the plus strand (C>T on the coding strand, the complement: APOB is on the minus strand). VCF-style: chr2-21002823-G-A. GRCh37 (hg19) VCF-style: chr2-21225695-G-A.
Other names: short protein forms P4200L.
Identifiers: ClinVar variation 4824438 (VCV004824438.1).
Genomic context (GRCh38, chr2:21,002,823, plus strand): 5'-AACATAGTGCAAAGTTCCTCCCTAGTGTATATCCCAGGTTTCCCCGGAAACTGGAATCTG[G>A]GGAAGTTCAGAAAATCAATGAGTGAGTCAATCAGATGCTTGACTTTCATATGGAATTCTT-3'
Protein context (NP_000375.3, residues 4190-4210): IDSLIDFLNF[Pro4200Leu]RFQFPGKPGI